The following is an entry in ClinVar:

ClinVar aggregate classification (germline): Uncertain significance (1 of 4 stars; one submission).

Conditions:
DK1-congenital disorder of glycosylation. Also called: DK1-CDG; CONGENITAL DISORDER OF GLYCOSYLATION, TYPE Im; CDG Im; DK1 DEFICIENCY; DOLICHOL KINASE DEFICIENCY; DOLK-congenital disorder of glycosylation. Identifiers: Orphanet 91131, MedGen C1835849, MONDO:0012556, OMIM 610768.

Submission:

Labcorp Genetics (formerly Invitae), Labcorp
Classification: Uncertain significance for DK1-congenital disorder of glycosylation. Last evaluated: 2019-08-24. Review status: criteria provided, single submitter. Criteria: Invitae Variant Classification Sherloc (09022015). Collection method: clinical testing. Allele origin: germline.
Comment: Experimental studies and prediction algorithms are not available or were not evaluated for this variant, and the functional significance of this variant is currently unknown. In summary, the available evidence is currently insufficient to determine the role of this variant in disease. Therefore, it has been classified as a Variant of Uncertain Significance. This variant has not been reported in the literature in individuals with DOLK-related conditions. This variant is not present in population databases (ExAC no frequency). This sequence change results in a premature translational stop signal in the DOLK gene (p.Met415Ilefs*16). While this is not anticipated to result in nonsense mediated decay, it is expected to disrupt the last 124 amino acids of the DOLK protein.

NM_014908.4(DOLK):c.1245_1246del (p.Met415fs)

Gene: DOLK (dolichol kinase; minus strand). Cytogenetic location: 9q34.11.
Variant type: Deletion.
Coding change: c.1245_1246del on transcript NM_014908.4 (MANE Select); coding-DNA positions 1245 to 1246, 2 bases deleted (GT; older notation c.1245_1246delGT).
Protein change: p.Met415fs; shifts the reading frame from methionine 415.
Molecular consequence: frameshift variant.
Genome position (GRCh38, 1-based): chr9:128,946,058-128,946,059, AC deleted on the plus strand (GT on the coding strand, the reverse complement: DOLK is on the minus strand); deleting any 2 consecutive bases within chr9:128,946,058-128,946,060 gives the same sequence; the c. name uses the placement nearest the transcript's 3' end. VCF-style (leftmost placement, unchanged base first): chr9-128946057-GAC-G. GRCh37 (hg19) VCF-style: chr9-131708336-GAC-G.
Other names: short protein forms M415fs.
Identifiers: ClinVar variation 942457 (VCV000942457.8), dbSNP rs1841658916, ClinGen allele CA1139661249.